The following is an entry in ClinVar:

ClinVar aggregate classification (germline): Likely benign (1 of 4 stars; one submission).

Allele frequency attached by ClinVar (database versions not stated): gnomAD exomes 0.00050; gnomAD 0.00547; 1000 Genomes Project 30x 0.00562; 1000 Genomes Project 0.00579; TOPMed 0.00618.

Submission:

GeneDx
Classification: Likely benign. Last evaluated: 2020-05-25. Review status: criteria provided, single submitter. Criteria: GeneDx Variant Classification Process June 2021. Collection method: clinical testing. Allele origin: germline. Affected: yes.
Comment: See Variant Classification Assertion Criteria.

NM_139281.3(WDR36):c.1027+87_1027+88insG

Gene: WDR36 (WD repeat domain 36; plus strand). Cytogenetic location: 5q22.1.
Variant type: Insertion.
Coding change: c.1027+87_1027+88insG on transcript NM_139281.3 (MANE Select); bases 87 to 88 of the intron after coding-DNA position 1027, G inserted.
Molecular consequence: intron variant.
Genome position: GRCh38 VCF-style: chr5-111104904-T-TG. GRCh37 (hg19) VCF-style: chr5-110440603-T-TG.
Identifiers: ClinVar variation 1804476 (VCV001804476.1), dbSNP rs370240852, ClinGen allele CA124915703.